The following is an entry in ClinVar:

NM_001324418.2(ADAM22):c.24C>T (p.Ser8=)

Genes: ADAM22 (ADAM metallopeptidase domain 22; plus strand), LOC129998760 (ATAC-STARR-seq lymphoblastoid silent region 18354; plus strand). Cytogenetic location: 7q21.12.
Variant type: single nucleotide variant.
Coding change: c.24C>T on transcript NM_001324418.2 (MANE Select); coding-DNA position 24, C replaced by T.
Protein change: p.Ser8=; no amino-acid change (serine 8 retained).
Molecular consequence: synonymous variant.
Genome position (GRCh38, 1-based): chr7:87,934,489, C>T. VCF-style: chr7-87934489-C-T. GRCh37 (hg19) VCF-style: chr7-87563804-C-T.
Other names: c.24C>T, p.Ser8= (NM_001324417.2, NM_001324419.2, NM_001324420.2 and 14 more transcripts).
Identifiers: ClinVar variation 745123 (VCV000745123.29), dbSNP rs185661659, ClinGen allele CA4330009.
Genomic context (GRCh38, chr7:87,934,489, plus strand): 5'-CTGAGCGTCTCGGGCGAGGCGGGCTGACGGCAGCACCATGCAGGCGGCAGTGGCTGTGTC[C>T]GTGCCCTTCTTGCTGCTCTGTGTCCTGGGGACCTGCCCTCCGGCGCGCTGCGGCCAGGCA-3'
Protein context (NP_001311347.1, residues 1-18): MQAAVAV[Ser8=]VPFLLLCVLG

ClinVar aggregate classification (germline): Likely benign. Review status: criteria provided, multiple submitters, no conflicts (2 of 4 stars). 3 submissions from 3 submitters: Likely benign (3). Last evaluated 2025-09-01.

Allele frequency attached by ClinVar (database versions not stated): gnomAD exomes 0.00014 and 0.00029; 1000 Genomes Project 30x 0.00016; 1000 Genomes Project 0.00020; ESP Exome Variant Server 0.00024; gnomAD 0.00025 and 0.00029; ExAC 0.00030; TOPMed 0.00031.
gnomAD v4.1: 273 of 1,606,838 alleles (0.017%); highest among the groups gnomAD compares: Middle Eastern, 0.12%; no homozygotes.

Submissions (3):

CeGaT Center for Human Genetics Tuebingen
Classification: Likely benign. Last evaluated: 2025-09-01. Review status: criteria provided, single submitter. Criteria: CeGaT Center For Human Genetics Tuebingen Variant Classification Criteria Version 2. Collection method: clinical testing. Allele origin: germline. Affected: yes. Observed: 2 variant alleles.
Comment: ADAM22: BP4, BP7

Blueprint Genetics
Classification: Likely benign. Last evaluated: 2024-08-12. Review status: criteria provided, single submitter. Criteria: ACMG Guidelines, 2015. Collection method: clinical testing. Allele origin: germline.

Labcorp Genetics (formerly Invitae), Labcorp
Classification: Likely benign. Last evaluated: 2019-12-31. Review status: criteria provided, single submitter. Criteria: Invitae Variant Classification Sherloc (09022015). Collection method: clinical testing. Allele origin: germline.